The following is an entry in ClinVar:

ClinVar aggregate classification (germline): Likely benign. Review status: criteria provided, multiple submitters, no conflicts (2 of 4 stars). 2 submissions from 2 submitters: Likely benign (2). Last evaluated 2025-02-20.

Conditions:
LOXL3-related disorder. Also called: LOXL3-related condition.

Allele frequency attached by ClinVar (database versions not stated): ExAC 0.00002; gnomAD exomes 0.00003; ESP Exome Variant Server 0.00015; gnomAD 0.00015 and 0.00016; TOPMed 0.00015.

Submissions (2):

Labcorp Genetics (formerly Invitae), Labcorp
Classification: Likely benign. Last evaluated: 2025-02-20. Review status: criteria provided, single submitter. Criteria: Invitae Variant Classification Sherloc (09022015). Collection method: clinical testing. Allele origin: germline.

PreventionGenetics, part of Exact Sciences
Classification: Likely benign for LOXL3-related condition. Last evaluated: 2025-02-05. Review status: criteria provided, single submitter. Criteria: ACMG Guidelines, 2015. Collection method: clinical testing. Allele origin: germline.
Comment: This variant is classified as likely benign based on ACMG/AMP sequence variant interpretation guidelines (Richards et al. 2015 PMID: 25741868, with internal and published modifications).

NM_032603.5(LOXL3):c.1929G>A (p.Glu643=)

Gene: LOXL3 (lysyl oxidase like 3; minus strand). Cytogenetic location: 2p13.1.
Variant type: single nucleotide variant.
Coding change: c.1929G>A on transcript NM_032603.5 (MANE Select); coding-DNA position 1929, G replaced by A.
Protein change: p.Glu643=; no amino-acid change (glutamic acid 643 retained).
Molecular consequence: synonymous variant.
Genome position (GRCh38, 1-based): chr2:74,534,326, C>T on the plus strand (G>A on the coding strand, the complement: LOXL3 is on the minus strand). VCF-style: chr2-74534326-C-T. GRCh37 (hg19) VCF-style: chr2-74761453-C-T.
Other names: c.1494G>A, p.Glu498= (NM_001289164.3); c.846G>A, p.Glu282= (NM_001289165.2); c.1929G>A (NM_032603.4).
Identifiers: ClinVar variation 1632103 (VCV001632103.10), dbSNP rs145380329, ClinGen allele CA1728759.
Genomic context (GRCh38, chr2:74,534,326, plus strand): 5'-GAAAGGCTGTGCAATGGATACCATGTGGTTCACTTCAGTCCCCAACTCACCCTCCTGACA[C>T]TCAGTGTCTTCGAGACAGAAACTAGCTTTGTGGCCCTCAGCCACCTTGGTGCCATTTGGG-3'
Protein context (NP_115992.1, residues 633-653): HKASFCLEDT[Glu643=]CQEDVSKRYE